The following is an entry in ClinVar:

NM_000051.4(ATM):c.6562del (p.Leu2188fs)

Genes: ATM (ATM serine/threonine kinase; plus strand), C11orf65 (chromosome 11 open reading frame 65; minus strand). Cytogenetic location: 11q22.3.
Variant type: Deletion.
Coding change: c.6562del on transcript NM_000051.4 (MANE Select); coding-DNA position 6562, one base deleted (C; older notation c.6562delC).
Protein change: p.Leu2188fs; shifts the reading frame from leucine 2188.
Molecular consequence: frameshift variant. On other transcripts: intron variant (2).
Genome position (GRCh38, 1-based): chr11:108,321,410, C deleted. VCF-style (leftmost placement, unchanged base first): chr11-108321409-GC-G. GRCh37 (hg19) VCF-style: chr11-108192136-GC-G.
Other names: c.6562delC, p.Leu2188Phefs (NM_000051.3); c.6562del, p.Leu2188fs (NM_001351834.2); c.641-12339del (NM_001330368.2); c.*39-12339del (NM_001351110.2); short protein forms L2188fs.
Identifiers: ClinVar variation 2018888 (VCV002018888.5), dbSNP rs2547165221, ClinGen allele CA2580083476.

ClinVar aggregate classification (germline): Pathogenic. Review status: criteria provided, multiple submitters, no conflicts (2 of 4 stars). 2 submissions from 2 submitters: Pathogenic (2). Last evaluated 2024-09-12.

Conditions:
Ataxia-telangiectasia syndrome (AT). Also called: Ataxia-telangiectasia, complementation group D; AT, COMPLEMENTATION GROUP C; ATAXIA-TELANGIECTASIA, COMPLEMENTATION GROUP A; ATAXIA-TELANGIECTASIA, FRESNO VARIANT; Ataxia-telangiectasia, complementation group E; LOUIS-BAR SYNDROME. Identifiers: Orphanet 100, MedGen C0004135, MONDO:0008840, OMIM 208900.
Familial cancer of breast. Also called: BREAST CANCER, FAMILIAL; Hereditary breast cancer; hereditary breast carcinoma. Identifiers: Orphanet 227535, MedGen C0346153, MONDO:0016419, OMIM 114480. Disease mechanism: loss of function.

Submissions (2):

Department of Pathology and Laboratory Medicine, Sinai Health System
Classification: Pathogenic for Familial cancer of breast; Ataxia-telangiectasia syndrome. Last evaluated: 2024-09-12. Review status: criteria provided, single submitter. Criteria: ACMG Guidelines, 2015. Collection method: clinical testing. Allele origin: germline.

Labcorp Genetics (formerly Invitae), Labcorp
Classification: Pathogenic for Ataxia-telangiectasia syndrome. Last evaluated: 2023-09-08. Review status: criteria provided, single submitter. Criteria: Invitae Variant Classification Sherloc (09022015). Collection method: clinical testing. Allele origin: germline.
Comment: For these reasons, this variant has been classified as Pathogenic. ClinVar contains an entry for this variant (Variation ID: 2018888). This variant has not been reported in the literature in individuals affected with ATM-related conditions. This variant is not present in population databases (gnomAD no frequency). This sequence change creates a premature translational stop signal (p.Leu2188Phefs*47) in the ATM gene. It is expected to result in an absent or disrupted protein product. Loss-of-function variants in ATM are known to be pathogenic (PMID: 23807571, 25614872).

Literature cited by the submitters: PubMed 23807571 (cited by Labcorp Genetics (formerly Invitae), Labcorp); PubMed 25614872 (cited by Labcorp Genetics (formerly Invitae), Labcorp).